The following is an entry in ClinVar:

NM_000138.5(FBN1):c.1277C>T (p.Pro426Leu)

Gene: FBN1 (fibrillin 1; minus strand). Cytogenetic location: 15q21.1.
Variant type: single nucleotide variant.
Coding change: c.1277C>T on transcript NM_000138.5 (MANE Select); coding-DNA position 1277, C replaced by T.
Protein change: p.Pro426Leu; replaces proline 426 with leucine.
Molecular consequence: missense variant.
Genome position (GRCh38, 1-based): chr15:48,516,233, G>A on the plus strand (C>T on the coding strand, the complement: FBN1 is on the minus strand). VCF-style: chr15-48516233-G-A. GRCh37 (hg19) VCF-style: chr15-48808430-G-A.
Other names: short protein forms P426L.
Identifiers: ClinVar variation 923840 (VCV000923840.24), dbSNP rs146044644, ClinGen allele CA044099.

ClinVar aggregate classification (germline): Conflicting classifications of pathogenicity. Review status: criteria provided, conflicting classifications (1 of 4 stars). 6 submissions from 6 submitters: Uncertain significance (2); Likely benign (4). Last evaluated 2024-03-05.

Conditions:
Familial thoracic aortic aneurysm and aortic dissection (TAAD). Also called: Thoracic aortic aneurysms and dissections. Identifiers: Orphanet 91387, MedGen C4707243, MONDO:0019625.
Marfan syndrome (MFS). Also called: Marfan syndrome, classic; Marfan syndrome type 1; Marfan's syndrome; FBN1-Related Marfan Syndrome; MARFAN SYNDROME, TYPE I. Identifiers: Orphanet 284963, Orphanet 558, MedGen C0024796, MONDO:0007947, OMIM 154700.

Allele frequency attached by ClinVar (database versions not stated): gnomAD exomes 0.00001 and 0.00004; gnomAD 0.00002 and 0.00003; TOPMed 0.00001; ExAC 0.00004; ESP Exome Variant Server 0.00008.
gnomAD v4.1: 21 of 1,613,754 alleles (0.0013%); highest among the groups gnomAD compares: East Asian, 0.022%; no homozygotes.

Submissions (6):

All of Us Research Program, National Institutes of Health
Classification: Uncertain significance for Marfan syndrome. Last evaluated: 2024-03-05. Review status: criteria provided, single submitter. Criteria: ACMG Guidelines, 2015. Collection method: clinical testing. Allele origin: germline. Inheritance: Autosomal dominant inheritance. Observed: 1 variant allele, 1 heterozygote.
Comment: This missense variant replaces proline with leucine at codon 426 of the FBN1 protein. Computational prediction suggests that this variant may not impact protein structure and function (internally defined REVEL score threshold <= 0.5, PMID: 27666373). To our knowledge, functional studies have not been reported for this variant. This variant has not been reported in individuals affected with cardiovascular disorders in the literature. This variant has been identified in 12/282654 chromosomes in the general population by the Genome Aggregation Database (gnomAD). The available evidence is insufficient to determine the role of this variant in disease conclusively. Therefore, this variant is classified as a Variant of Uncertain Significance.

This study involves interpretation of variants in research participants for the purpose of population health screening. Participant phenotype was not available at the time of variant classification. Additional details can be found in publication PMID: 35346344, PMCID: PMC8962531

Color Diagnostics, LLC DBA Color Health
Classification: Likely benign for Familial thoracic aortic aneurysm and aortic dissection. Last evaluated: 2023-08-10. Review status: criteria provided, single submitter. Criteria: ACMG Guidelines, 2015. Collection method: clinical testing. Allele origin: germline.

Labcorp Genetics (formerly Invitae), Labcorp
Classification: Likely benign for Marfan syndrome; Familial thoracic aortic aneurysm and aortic dissection. Last evaluated: 2022-10-13. Review status: criteria provided, single submitter. Criteria: Invitae Variant Classification Sherloc (09022015). Collection method: clinical testing. Allele origin: germline.

Blueprint Genetics
Classification: Likely benign. Last evaluated: 2022-05-11. Review status: criteria provided, single submitter. Criteria: ACMG Guidelines, 2015. Collection method: clinical testing. Allele origin: germline.

Women's Health and Genetics/Laboratory Corporation of America, LabCorp
Classification: Likely benign. Last evaluated: 2020-08-10. Review status: criteria provided, single submitter. Criteria: LabCorp Variant Classification Summary - May 2015. Collection method: clinical testing. Allele origin: germline.
Comment: Variant summary: FBN1 c.1277C>T (p.Pro426Leu) results in a non-conservative amino acid change in the encoded protein sequence. Four of five in-silico tools predict a benign effect of the variant on protein function. The variant allele was found at a frequency of 4.2e-05 in 282654 control chromosomes, predominantly at a frequency of 0.0005 within the East Asian subpopulation in the gnomAD database. The observed variant frequency within East Asian control individuals in the gnomAD database is approximately 4-fold of the estimated maximal expected allele frequency for a pathogenic variant in FBN1 causing Marfan Syndrome phenotype (0.00011), strongly suggesting that the variant is a benign polymorphism found primarily in populations of East Asian origin. To our knowledge, no experimental evidence demonstrating an impact on protein function has been reported. One clinical diagnostic laboratory has submitted clinical-significance assessments for this variant to ClinVar after 2014, and classified the variant as uncertain significance. Based on the evidence outlined above, the variant was classified as likely benign.

ARUP Laboratories, Molecular Genetics and Genomics, ARUP Laboratories
Classification: Uncertain significance. Last evaluated: 2020-04-04. Review status: criteria provided, single submitter. Criteria: ARUP Molecular Germline Variant Investigation Process. Collection method: clinical testing. Allele origin: germline.
Comment: The FBN1 c.1277C>T; p.Pro426Leu variant (rs146044644), to our knowledge, is not reported in the medical literature or gene specific databases. This variant is only observed on ten alleles in the Genome Aggregation Database, indicating it is not a common polymorphism. The proline at codon 426 is moderately conserved, and computational analyses (SIFT, PolyPhen-2) predict that this variant is tolerated. Due to limited information, the clinical significance of the p.Pro426Leu variant is uncertain at this time.

Literature cited by the submitters: PubMed 28706299 (cited by Women's Health and Genetics/Laboratory Corporation of America, LabCorp).